The following is an entry in ClinVar:

NM_000057.4(BLM):c.1928G>A (p.Arg643His)

Gene: BLM (BLM RecQ like helicase; plus strand). Cytogenetic location: 15q26.1.
Variant type: single nucleotide variant.
Coding change: c.1928G>A on transcript NM_000057.4 (MANE Select); coding-DNA position 1928, G replaced by A.
Protein change: p.Arg643His; replaces arginine 643 with histidine.
Molecular consequence: missense variant.
Genome position (GRCh38, 1-based): chr15:90,763,011, G>A. VCF-style: chr15-90763011-G-A. GRCh37 (hg19) VCF-style: chr15-91306241-G-A.
Other names: p.R643H:CGT>CAT; c.1928G>A, p.Arg643His (NM_001287246.2, NM_001287247.2); c.803G>A, p.Arg268His (NM_001287248.2); short protein forms R643H, R268H.
Identifiers: ClinVar variation 127480 (VCV000127480.92), dbSNP rs12720097, ClinGen allele CA152050.

ClinVar aggregate classification (germline): Conflicting classifications of pathogenicity. Review status: criteria provided, conflicting classifications (1 of 4 stars). 24 submissions from 24 submitters: Uncertain significance (1); Benign (6); Likely benign (9). 8 of the submissions do not count toward it. Last evaluated 2026-08-01.

Conditions:
BLM-related disorder. Also called: BLM-related condition.
Hereditary cancer-predisposing syndrome. Also called: Neoplastic Syndromes, Hereditary; Hereditary Cancer Syndrome; Tumor predisposition; Hereditary neoplastic syndrome. Identifiers: Orphanet 140162, MedGen C0027672, MeSH D009386, MONDO:0015356.
Bloom syndrome (BLM). Also called: Bloom-Torre-Machacek syndrome. Identifiers: Orphanet 125, MedGen C0005859, MONDO:0008876, OMIM 210900.

Allele frequency attached by ClinVar (database versions not stated): 1000 Genomes Project 0.00060; 1000 Genomes Project 30x 0.00078; TOPMed 0.00257; gnomAD 0.00278 and 0.00279; ExAC 0.00316; gnomAD exomes 0.00333 and 0.00494; ESP Exome Variant Server 0.00385.
gnomAD v4.1: 7,589 of 1,613,418 alleles (0.47%); highest among the groups gnomAD compares: Non-Finnish European, 0.56%; 21 homozygotes.

Submissions (24):

CeGaT Center for Human Genetics Tuebingen
Classification: Likely benign. Last evaluated: 2026-08-01. Review status: criteria provided, single submitter. Criteria: CeGaT Center For Human Genetics Tuebingen Variant Classification Criteria Version 2. Collection method: clinical testing. Allele origin: germline. Affected: yes. Observed: 44 variant alleles.
Comment: BLM: BP4, BS2

Labcorp Genetics (formerly Invitae), Labcorp
Classification: Benign for Bloom syndrome. Last evaluated: 2026-02-04. Review status: criteria provided, single submitter. Criteria: Invitae Variant Classification Sherloc (09022015). Collection method: clinical testing. Allele origin: germline.

Dasa
Classification: Benign. Last evaluated: 2025-12-30. Review status: criteria provided, single submitter. Criteria: DASA Assertion Criteria. Collection method: clinical testing. Allele origin: germline.
Comment: NM_000057.4(BLM):c.1928G>A (p.Arg643His) is a missense variant that results in the substitution of arginine with histidine. Population frequency is inconsistent with a disease-causing role for this variant, and observations in unaffected individuals support a benign interpretation. Computational prediction algorithms are consistent with a benign effect. Therefore, based on the currently available evidence, this variant is classified as benign.

Quest Diagnostics Nichols Institute San Juan Capistrano
Classification: Benign. Last evaluated: 2025-10-16. Review status: criteria provided, single submitter. Criteria: Quest Diagnostics criteria. Collection method: clinical testing. Allele origin: unknown.

Mayo Clinic Laboratories, Mayo Clinic
Classification: Benign. Last evaluated: 2025-03-19. Review status: criteria provided, single submitter. Criteria: ACMG Guidelines, 2015. Collection method: clinical testing. Allele origin: germline. Observed: 4 variant alleles.
Comment: BS1, BS2, BP4

Blueprint Genetics
Classification: Likely benign. Last evaluated: 2024-11-22. Review status: criteria provided, single submitter. Criteria: ACMG Guidelines, 2015. Collection method: clinical testing. Allele origin: germline.

ARUP Laboratories, Molecular Genetics and Genomics, ARUP Laboratories
Classification: Likely benign for Bloom syndrome. Last evaluated: 2024-03-20. Review status: criteria provided, single submitter. Criteria: ARUP Molecular Germline Variant Investigation Process 2024. Collection method: clinical testing. Allele origin: germline.

Women's Health and Genetics/Laboratory Corporation of America, LabCorp
Classification: Benign. Last evaluated: 2022-10-17. Review status: criteria provided, single submitter. Criteria: LabCorp Variant Classification Summary - May 2015. Collection method: clinical testing. Allele origin: germline.
Comment: Variant summary: BLM c.1928G>A (p.Arg643His) results in a non-conservative amino acid change located in the Bloom syndrome protein, BDHCT-box associated domain (IPR032439) of the encoded protein sequence. Three of five in-silico tools predict a benign effect of the variant on protein function. The variant allele was found at a frequency of 0.0032 in 281568 control chromosomes, predominantly at a frequency of 0.0046 within the Non-Finnish European subpopulation in the gnomAD database, including 2 homozygotes. The observed variant frequency within Non-Finnish European control individuals in the gnomAD database is approximately 1.3 fold of the estimated maximal expected allele frequency for a pathogenic variant in BLM causing Bloom Syndrome phenotype (0.0035), strongly suggesting that the variant is a benign polymorphism found primarily in populations of Non-Finnish European origin. The variant, c.1928G>A, has been reported in the literature in individuals affected with breast cancer (Thompson_2012, Moradian_2021) and as a somatic events in glioblastoma and Mullerian adenosarcoma (Burzynski_2015, Howitt_2015). These report(s) do not provide unequivocal conclusions about association of the variant with Hereditary Cancer and/or Bloom Syndrome. To our knowledge, no experimental evidence demonstrating an impact on protein function has been reported. Ten clinical diagnostic laboratories have submitted clinical-significance assessments for this variant to ClinVar after 2014 without evidence for independent evaluation. Nine submitters classified the variant as LB/B while one classified as VUS. Based on the evidence outlined above, the variant was classified as benign.

Institute for Clinical Genetics, University Hospital TU Dresden, University Hospital TU Dresden
Classification: Benign. Last evaluated: 2021-11-03. Review status: criteria provided, single submitter. Criteria: ACMG Guidelines, 2015. Collection method: clinical testing. Allele origin: germline.

Sema4
Classification: Likely benign for Hereditary cancer-predisposing syndrome. Last evaluated: 2021-06-14. Review status: criteria provided, single submitter. Criteria: Sema4 Curation Guidelines. Collection method: curation. Allele origin: germline.

Genome-Nilou Lab
Classification: Likely benign for Bloom syndrome. Last evaluated: 2021-06-10. Review status: criteria provided, single submitter. Criteria: ACMG Guidelines, 2015. Collection method: clinical testing. Allele origin: germline. Affected: no.

GeneDx
Classification: Likely benign. Last evaluated: 2020-12-01. Review status: criteria provided, single submitter. Criteria: GeneDx Variant Classification Process June 2021. Collection method: clinical testing. Allele origin: germline. Affected: yes.
Comment: This variant is associated with the following publications: (PMID: 24728327)

Ambry Genetics
Classification: Likely benign for Hereditary cancer-predisposing syndrome. Last evaluated: 2018-12-21. Review status: criteria provided, single submitter. Criteria: Ambry Variant Classification Scheme 2023. Collection method: clinical testing. Allele origin: germline.

Illumina Laboratory Services, Illumina
Classification: Likely benign for Bloom syndrome. Last evaluated: 2018-01-13. Review status: criteria provided, single submitter. Criteria: ICSL Variant Classification Criteria 13 December 2019. Collection method: clinical testing. Allele origin: germline.
Comment: This variant was observed in the ICSL laboratory as part of a predisposition screen in an ostensibly healthy population. It had not been previously curated by ICSL or reported in the Human Gene Mutation Database (HGMD: prior to June 1st, 2018), and was therefore a candidate for classification through an automated scoring system. Utilizing variant allele frequency, disease prevalence and penetrance estimates, and inheritance mode, an automated score was calculated to assess if this variant is too frequent to cause the disease. Based on the score and internal cut-off values, a variant classified as likely benign is not then subjected to further curation. The score for this variant resulted in a classification of likely benign for this disease.

Eurofins Ntd Llc (ga)
Classification: Likely benign. Last evaluated: 2016-08-01. Review status: criteria provided, single submitter. Criteria: EGL Classification Definitions 2015. Collection method: clinical testing. Allele origin: germline. Observed: 2 variant alleles, 2 heterozygotes.

CSER _CC_NCGL, University of Washington
Classification: Uncertain significance for Bloom syndrome. Last evaluated: 2015-03-11. Review status: criteria provided, single submitter. Criteria: Amendola et al. (Genome Res. 2015). Collection method: research. Allele origin: germline. Inheritance: Autosomal recessive inheritance. Study: CSER - NEXT Medicine variant annotation.

PreventionGenetics, part of Exact Sciences
Classification: Benign for BLM-related condition. Last evaluated: 2019-06-17. Review status: no assertion criteria provided. Collection method: clinical testing. Allele origin: germline. Not counted in ClinVar's aggregate classification.
Comment: This variant is classified as benign based on ACMG/AMP sequence variant interpretation guidelines (Richards et al. 2015 PMID: 25741868, with internal and published modifications).

Natera, Inc.
Classification: Likely benign for Bloom syndrome. Last evaluated: 2017-07-05. Review status: no assertion criteria provided. Collection method: clinical testing. Allele origin: germline. Not counted in ClinVar's aggregate classification.

ITMI
No classification provided. Condition: AllHighlyPenetrant. Last evaluated: 2013-09-19. Review status: no classification provided. Collection method: reference population. Allele origin: germline. Not counted in ClinVar's aggregate classification.
Comment: Please see associated publication for description of ethnicities

Clinical Genetics DNA and cytogenetics Diagnostics Lab, Erasmus MC, Erasmus Medical Center
Classification: Likely benign. Review status: no assertion criteria provided. Collection method: clinical testing. Allele origin: germline. Affected: yes. Study: VKGL Data-share Consensus. Not counted in ClinVar's aggregate classification.

Genetic Services Laboratory, University of Chicago
Classification: Likely benign for AllHighlyPenetrant. Review status: no assertion criteria provided. Collection method: clinical testing. Allele origin: germline. Inheritance: Autosomal recessive inheritance. Not counted in ClinVar's aggregate classification.
Comment: Likely benign based on allele frequency in 1000 Genomes Project or ESP global frequency and its presence in a patient with a rare or unrelated disease phenotype. NOT Sanger confirmed.

Genome Diagnostics Laboratory, Amsterdam University Medical Center
Classification: Likely benign. Review status: no assertion criteria provided. Collection method: clinical testing. Allele origin: germline. Affected: yes. Study: VKGL Data-share Consensus. Not counted in ClinVar's aggregate classification.

Genome Diagnostics Laboratory, University Medical Center Utrecht
Classification: Benign. Review status: no assertion criteria provided. Collection method: clinical testing. Allele origin: germline. Affected: yes. Study: VKGL Data-share Consensus. Not counted in ClinVar's aggregate classification.

Joint Genome Diagnostic Labs from Nijmegen and Maastricht, Radboudumc and MUMC+
Classification: Benign. Review status: no assertion criteria provided. Collection method: clinical testing. Allele origin: germline. Affected: yes. Study: VKGL Data-share Consensus. Not counted in ClinVar's aggregate classification.

Literature cited by the submitters: PubMed 24728327 (cited by 3 submitters); PubMed 36315513 (cited by Quest Diagnostics Nichols Institute San Juan Capistrano); PubMed 33558524 (cited by Quest Diagnostics Nichols Institute San Juan Capistrano and Women's Health and Genetics/Laboratory Corporation of America, LabCorp); PubMed 23028338 (cited by Women's Health and Genetics/Laboratory Corporation of America, LabCorp); PubMed 25231023 (cited by Women's Health and Genetics/Laboratory Corporation of America, LabCorp).